The following is an entry in ClinVar:

NM_004519.4(KCNQ3):c.2513C>T (p.Thr838Met)

Gene: KCNQ3 (potassium voltage-gated channel subfamily Q member 3; minus strand). Cytogenetic location: 8q24.22.
Variant type: single nucleotide variant.
Coding change: c.2513C>T on transcript NM_004519.4 (MANE Select); coding-DNA position 2513, C replaced by T.
Protein change: p.Thr838Met; replaces threonine 838 with methionine.
Molecular consequence: missense variant.
Genome position (GRCh38, 1-based): chr8:132,129,368, G>A on the plus strand (C>T on the coding strand, the complement: KCNQ3 is on the minus strand). VCF-style: chr8-132129368-G-A. GRCh37 (hg19) VCF-style: chr8-133141615-G-A.
Other names: c.2153C>T, p.Thr718Met (NM_001204824.2); short protein forms T718M, T838M.
Identifiers: ClinVar variation 1361181 (VCV001361181.6), dbSNP rs145883169, ClinGen allele CA4880428.
Genomic context (GRCh38, chr8:132,129,368, plus strand): 5'-TCCCCTGTGGACGACAGAGGCATGGAGCCGCTGGGCGTGAAGGGGTCCGTGTCTGTGTCC[G>A]TCTCACCCTCGGCGAGGTACCGCTTCTCCCTCATCCAGCTCGACCCCCCATTGGGGCCGA-3'
Protein context (NP_004510.1, residues 828-848): REKRYLAEGE[Thr838Met]DTDTDPFTPS

ClinVar aggregate classification (germline): Uncertain significance (1 of 4 stars; one submission).

Conditions:
Benign neonatal seizures. Also called: Benign neonatal familial convulsions; Benign familial neonatal seizures; Benign familial neonatal epilepsy; Convulsions benign familial neonatal dominant form; Autosomal dominant form of benign neonatal seizures. Identifiers: Orphanet 1949, MedGen C0220669, MONDO:0016027.

Allele frequency attached by ClinVar (database versions not stated): TOPMed 0.00001; gnomAD exomes 0.00002 and 0.00005; ExAC 0.00004; ESP Exome Variant Server 0.00008.
gnomAD v4.1: 67 of 1,614,210 alleles (0.0042%); highest among the groups gnomAD compares: Non-Finnish European, 0.0055%; no homozygotes.

Submission:

Labcorp Genetics (formerly Invitae), Labcorp
Classification: Uncertain significance for Benign neonatal seizures. Last evaluated: 2023-03-31. Review status: criteria provided, single submitter. Criteria: Invitae Variant Classification Sherloc (09022015). Collection method: clinical testing. Allele origin: germline.
Comment: In summary, the available evidence is currently insufficient to determine the role of this variant in disease. Therefore, it has been classified as a Variant of Uncertain Significance. Advanced modeling of protein sequence and biophysical properties (such as structural, functional, and spatial information, amino acid conservation, physicochemical variation, residue mobility, and thermodynamic stability) has been performed at Invitae for this missense variant, however the output from this modeling did not meet the statistical confidence thresholds required to predict the impact of this variant on KCNQ3 protein function. ClinVar contains an entry for this variant (Variation ID: 1361181). This variant has not been reported in the literature in individuals affected with KCNQ3-related conditions. This variant is present in population databases (rs145883169, gnomAD 0.003%). This sequence change replaces threonine, which is neutral and polar, with methionine, which is neutral and non-polar, at codon 838 of the KCNQ3 protein (p.Thr838Met).